The following is an entry in ClinVar:

NM_002878.4(RAD51D):c.844G>A (p.Glu282Lys)

Genes: RAD51D (RAD51 paralog D; minus strand), RAD51L3-RFFL (RAD51L3-RFFL readthrough; minus strand). Cytogenetic location: 17q12.
Variant type: single nucleotide variant.
Coding change: c.844G>A on transcript NM_002878.4 (MANE Select); coding-DNA position 844, G replaced by A.
Protein change: p.Glu282Lys; replaces glutamic acid 282 with lysine.
Molecular consequence: missense variant. On other transcripts: non-coding transcript variant (3).
Genome position (GRCh38, 1-based): chr17:35,101,260, C>T on the plus strand (G>A on the coding strand, the complement: RAD51D is on the minus strand). VCF-style: chr17-35101260-C-T. GRCh37 (hg19) VCF-style: chr17-33428279-C-T.
Other names: c.904G>A, p.Glu302Lys (NM_001142571.2); c.508G>A, p.Glu170Lys (NM_133629.3); short protein forms E282K, E170K, E302K.
Identifiers: ClinVar variation 570552 (VCV000570552.21), dbSNP rs1447892901, ClinGen allele CA399086595.

ClinVar aggregate classification (germline): Uncertain significance. Review status: criteria provided, multiple submitters, no conflicts (2 of 4 stars). 7 submissions from 7 submitters: Uncertain significance (6). 1 of the submissions does not count toward it. Last evaluated 2025-10-27.

Conditions:
Breast-ovarian cancer, familial, susceptibility to, 4. Identifiers: Orphanet 145, MedGen C3280345, MONDO:0013669, OMIM 614291.
Hereditary cancer-predisposing syndrome. Also called: Hereditary neoplastic syndrome; Tumor predisposition; Neoplastic Syndromes, Hereditary; Hereditary Cancer Syndrome. Identifiers: Orphanet 140162, MedGen C0027672, MeSH D009386, MONDO:0015356.

Allele frequency attached by ClinVar (database versions not stated): TOPMed 0.00001.
gnomAD v4.1: 9 of 1,614,170 alleles (0.00056%); highest among the groups gnomAD compares: South Asian, 0.0044%; no homozygotes.

Submissions (7):

Labcorp Genetics (formerly Invitae), Labcorp
Classification: Uncertain significance for Breast-ovarian cancer, familial, susceptibility to, 4. Last evaluated: 2025-10-27. Review status: criteria provided, single submitter. Criteria: Invitae Variant Classification Sherloc (09022015). Collection method: clinical testing. Allele origin: germline.
Comment: This sequence change replaces glutamic acid, which is acidic and polar, with lysine, which is basic and polar, at codon 282 of the RAD51D protein (p.Glu282Lys). This variant is not present in population databases (gnomAD no frequency). This missense change has been observed in individual(s) with breast and/or ovarian cancer (PMID: 26261251, 32885271). ClinVar contains an entry for this variant (Variation ID: 570552). Invitae Evidence Modeling of protein sequence and biophysical properties (such as structural, functional, and spatial information, amino acid conservation, physicochemical variation, residue mobility, and thermodynamic stability) indicates that this missense variant is not expected to disrupt RAD51D protein function with a negative predictive value of 80%. In summary, the available evidence is currently insufficient to determine the role of this variant in disease. Therefore, it has been classified as a Variant of Uncertain Significance.

Ambry Genetics
Classification: Uncertain significance for Hereditary cancer-predisposing syndrome. Last evaluated: 2025-09-27. Review status: criteria provided, single submitter. Criteria: Ambry Variant Classification Scheme 2023. Collection method: clinical testing. Allele origin: germline.
Comment: The p.E282K variant (also known as c.844G>A), located in coding exon 9 of the RAD51D gene, results from a G to A substitution at nucleotide position 844. The glutamic acid at codon 282 is replaced by lysine, an amino acid with similar properties. In one study, this variant was seen in 1/3429 patients with invasive epithelial ovarian cancer and 0/2772 controls (Song H et al. J. Clin. Oncol. 2015 Sep;33:2901-7). This variant was also observed in 1/3251 individuals who met eligibility criteria for hereditary breast and ovarian cancer syndrome (Lerner-Ellis J et al. J Cancer Res Clin Oncol, 2021 Mar;147:871-879). This amino acid position is not well conserved in available vertebrate species. In addition, this alteration is predicted to be tolerated by in silico analysis. Since supporting evidence is limited at this time, the clinical significance of this alteration remains unclear.

Color Diagnostics, LLC DBA Color Health
Classification: Uncertain significance for Hereditary cancer-predisposing syndrome. Last evaluated: 2025-03-25. Review status: criteria provided, single submitter. Criteria: ACMG Guidelines, 2015. Collection method: clinical testing. Allele origin: germline.
Comment: This missense variant replaces glutamic acid with lysine at codon 282 of the RAD51D protein. Computational prediction suggests that this variant may not impact protein structure and function. To our knowledge, functional studies have not been reported for this variant. This variant has been reported in one individual affected with ovarian cancer in the literature (PMID: 26261251). In a large breast cancer case control study this variant has been observed in 1/60465 cases and 0/53461 controls (PMID: 33471991 - Leiden Open Variation Database DB-ID RAD51D_000079). This variant has not been identified in the general population by the Genome Aggregation Database (gnomAD). The available evidence is insufficient to determine the role of this variant in disease conclusively. Therefore, this variant is classified as a Variant of Uncertain Significance.

Center for Genomic Medicine, Rigshospitalet, Copenhagen University Hospital
Classification: Uncertain significance. Last evaluated: 2025-03-04. Review status: criteria provided, single submitter. Criteria: ACMG Guidelines, 2015. Collection method: clinical testing. Allele origin: germline.

GeneDx
Classification: Uncertain significance. Last evaluated: 2020-10-27. Review status: criteria provided, single submitter. Criteria: GeneDx Variant Classification Process June 2021. Collection method: clinical testing. Allele origin: germline. Affected: yes.
Comment: Not observed in large population cohorts (Lek 2016); In silico analysis, which includes protein predictors and evolutionary conservation, supports that this variant does not alter protein structure/function; Observed in individuals with ovarian cancer (Song 2015); This variant is associated with the following publications: (PMID: 29338689, 26261251)

Mendelics
Classification: Uncertain significance for Breast-ovarian cancer, familial, susceptibility to, 4. Last evaluated: 2019-05-28. Review status: criteria provided, single submitter. Criteria: Mendelics Assertion Criteria 2017. Collection method: clinical testing. Allele origin: unknown.

Department of Pathology and Laboratory Medicine, Sinai Health System
Classification: Uncertain significance for Breast-ovarian cancer, familial, susceptibility to, 4. Review status: no assertion criteria provided. Collection method: clinical testing. Allele origin: unknown. Affected: yes. Study: The Canadian Open Genetics Repository (COGR). Not counted in ClinVar's aggregate classification.
Comment: The RAD51D p.Glu282Lys variant was not identified in the literature nor was it identified in the dbSNP, ClinVar, Cosmic, the Exome Aggregation Consortium (August 8th 2016), or the Genome Aggregation Database (Feb 27, 2017). The p.Glu282 residue is not conserved in mammals and computational analyses (PolyPhen-2, SIFT, AlignGVGD, BLOSUM, MutationTaster) do not suggest a high likelihood of impact to the protein; however, this information is not predictive enough to rule out pathogenicity. The variant occurs outside of the splicing consensus sequence and in silico or computational prediction software programs (SpliceSiteFinder, MaxEntScan, NNSPLICE, GeneSplicer) do not predict a difference in splicing. In summary, based on the above information the clinical significance of this variant cannot be determined with certainty at this time. This variant is classified as a variant of uncertain significance.

Literature cited by the submitters: PubMed 26261251 (cited by 3 submitters); PubMed 32885271 (cited by 3 submitters); PubMed 33471991 (cited by Color Diagnostics, LLC DBA Color Health).